The following is an entry in ClinVar:

NM_001042492.3(NF1):c.7828C>T (p.Leu2610Phe)

Gene: NF1 (neurofibromin 1; plus strand). Cytogenetic location: 17q11.2.
Variant type: single nucleotide variant.
Coding change: c.7828C>T on transcript NM_001042492.3 (MANE Select); coding-DNA position 7828, C replaced by T.
Protein change: p.Leu2610Phe; replaces leucine 2610 with phenylalanine.
Molecular consequence: missense variant.
Genome position (GRCh38, 1-based): chr17:31,357,049, C>T. VCF-style: chr17-31357049-C-T. GRCh37 (hg19) VCF-style: chr17-29684067-C-T.
Other names: c.7765C>T, p.Leu2589Phe (NM_000267.4); short protein forms L2589F, L2610F.
Identifiers: ClinVar variation 2846193 (VCV002846193.3), dbSNP rs2151582434, ClinGen allele CA399018598.

ClinVar aggregate classification (germline): Uncertain significance (1 of 4 stars; one submission).

Conditions:
Neurofibromatosis, type 1 (NF1). Also called: Neurofibromatosis, type I; VON RECKLINGHAUSEN DISEASE; NEUROFIBROMATOSIS, TYPE I, SOMATIC; Peripheral type neurofibromatosis. Identifiers: Orphanet 636, MedGen C0027831, MONDO:0018975, OMIM 162200. Disease mechanism: loss of function.

Submission:

Labcorp Genetics (formerly Invitae), Labcorp
Classification: Uncertain significance for Neurofibromatosis, type 1. Last evaluated: 2023-03-16. Review status: criteria provided, single submitter. Criteria: Invitae Variant Classification Sherloc (09022015). Collection method: clinical testing. Allele origin: germline.
Comment: In summary, the available evidence is currently insufficient to determine the role of this variant in disease. Therefore, it has been classified as a Variant of Uncertain Significance. Advanced modeling of protein sequence and biophysical properties (such as structural, functional, and spatial information, amino acid conservation, physicochemical variation, residue mobility, and thermodynamic stability) performed at Invitae indicates that this missense variant is expected to disrupt NF1 protein function. This variant has not been reported in the literature in individuals affected with NF1-related conditions. This variant is not present in population databases (gnomAD no frequency). This sequence change replaces leucine, which is neutral and non-polar, with phenylalanine, which is neutral and non-polar, at codon 2589 of the NF1 protein (p.Leu2589Phe).